The following is an entry in ClinVar:

NM_016247.4(IMPG2):c.2264A>G (p.Asn755Ser)

Gene: IMPG2 (interphotoreceptor matrix proteoglycan 2; minus strand). Cytogenetic location: 3q12.3.
Variant type: single nucleotide variant.
Coding change: c.2264A>G on transcript NM_016247.4 (MANE Select); coding-DNA position 2264, A replaced by G.
Protein change: p.Asn755Ser; replaces asparagine 755 with serine.
Molecular consequence: missense variant.
Genome position (GRCh38, 1-based): chr3:101,244,067, T>C on the plus strand (A>G on the coding strand, the complement: IMPG2 is on the minus strand). VCF-style: chr3-101244067-T-C. GRCh37 (hg19) VCF-style: chr3-100962911-T-C.
Other names: short protein forms N755S.
Identifiers: ClinVar variation 858365 (VCV000858365.9), dbSNP rs1706443386, ClinGen allele CA353858202.

ClinVar aggregate classification (germline): Uncertain significance (1 of 4 stars; one submission).

Allele frequency attached by ClinVar (database versions not stated): gnomAD exomes below 0.00001.
gnomAD v4.1: 1 of 1,614,050 alleles (0.000062%); highest among the groups gnomAD compares: Middle Eastern, 0.016%; no homozygotes.

Submission:

Labcorp Genetics (formerly Invitae), Labcorp
Classification: Uncertain significance. Last evaluated: 2022-11-03. Review status: criteria provided, single submitter. Criteria: Invitae Variant Classification Sherloc (09022015). Collection method: clinical testing. Allele origin: germline.
Comment: In summary, the available evidence is currently insufficient to determine the role of this variant in disease. Therefore, it has been classified as a Variant of Uncertain Significance. Advanced modeling of protein sequence and biophysical properties (such as structural, functional, and spatial information, amino acid conservation, physicochemical variation, residue mobility, and thermodynamic stability) performed at Invitae indicates that this missense variant is not expected to disrupt IMPG2 protein function. ClinVar contains an entry for this variant (Variation ID: 858365). This missense change has been observed in individual(s) with retinitis pigmentosa (Invitae). This variant is not present in population databases (gnomAD no frequency). This sequence change replaces asparagine, which is neutral and polar, with serine, which is neutral and polar, at codon 755 of the IMPG2 protein (p.Asn755Ser).